The following is an entry in ClinVar:

NM_004415.4(DSP):c.7820del (p.Ser2607fs)

Gene: DSP (desmoplakin; plus strand). Cytogenetic location: 6p24.3.
Variant type: Deletion.
Coding change: c.7820del on transcript NM_004415.4 (MANE Select); coding-DNA position 7820, one base deleted (G; older notation c.7820delG).
Protein change: p.Ser2607fs; shifts the reading frame from serine 2607.
Molecular consequence: frameshift variant.
Genome position (GRCh38, 1-based): chr6:7,585,082, G deleted. VCF-style (leftmost placement, unchanged base first): chr6-7585081-AG-A. GRCh37 (hg19) VCF-style: chr6-7585314-AG-A.
Other names: c.6023del, p.Ser2008fs (NM_001008844.3); c.6491del, p.Ser2164fs (NM_001319034.2); short protein forms S2008fs, S2164fs, S2607fs.
Identifiers: ClinVar variation 1075974 (VCV001075974.9), dbSNP rs2113703361, ClinGen allele CA2499218566.

ClinVar aggregate classification (germline): Pathogenic (1 of 4 stars; one submission).

Conditions:
Arrhythmogenic right ventricular dysplasia 8 (ARVD8). Also called: Arrhythmogenic Right Ventricular Dysplasia/Cardiomyopathy 8; ARRHYTHMOGENIC RIGHT VENTRICULAR DYSPLASIA, FAMILIAL, 8; ARRHYTHMOGENIC RIGHT VENTRICULAR CARDIOMYOPATHY 8. Identifiers: MedGen C1843896, MONDO:0011831, OMIM 607450.
Arrhythmogenic cardiomyopathy with wooly hair and keratoderma. Also called: Carvajal syndrome; PALMOPLANTAR KERATODERMA WITH LEFT VENTRICULAR CARDIOMYOPATHY AND WOOLLY HAIR; Arrhythmogenic cardiomyopathy with woolly hair and keratoderma; Dilated cardiomyopathy with woolly hair and keratoderma. Identifiers: Orphanet 65282, MedGen C1854063, MONDO:0011581, OMIM 605676.

Submission:

Labcorp Genetics (formerly Invitae), Labcorp
Classification: Pathogenic for Arrhythmogenic cardiomyopathy with wooly hair and keratoderma; Arrhythmogenic right ventricular dysplasia 8. Last evaluated: 2020-03-12. Review status: criteria provided, single submitter. Criteria: Invitae Variant Classification Sherloc (09022015). Collection method: clinical testing. Allele origin: germline.
Comment: This sequence change results in a premature translational stop signal in the DSP gene (p.Ser2607Thrfs*31). While this is not anticipated to result in nonsense mediated decay, it is expected to disrupt the last 265 amino acids of the DSP protein. This variant is not present in population databases (ExAC no frequency). This variant has not been reported in the literature in individuals with DSP-related conditions. This variant disrupts the C-terminus of the DSP protein. Other variant(s) that disrupt this region (p.Glu2728Glyfs*11) have been determined to be pathogenic (Invitae). This suggests that variants that disrupt this region of the protein are likely to be causative of disease. For these reasons, this variant has been classified as Pathogenic.